The following is an entry in ClinVar:

NM_030962.4(SBF2):c.2278C>G (p.Pro760Ala)

Genes: SBF2 (SET binding factor 2; minus strand), LOC101928008 (uncharacterized LOC101928008; plus strand). Cytogenetic location: 11p15.4.
Variant type: single nucleotide variant.
Coding change: c.2278C>G on transcript NM_030962.4 (MANE Select); coding-DNA position 2278, C replaced by G.
Protein change: p.Pro760Ala; replaces proline 760 with alanine.
Molecular consequence: missense variant.
Genome position (GRCh38, 1-based): chr11:9,856,543, G>C on the plus strand (C>G on the coding strand, the complement: SBF2 is on the minus strand). VCF-style: chr11-9856543-G-C. GRCh37 (hg19) VCF-style: chr11-9878090-G-C.
Other names: c.2278C>G, p.Pro760Ala (NM_001386339.1); c.2149C>G, p.Pro717Ala (NM_001386342.1); c.2314C>G, p.Pro772Ala (NM_001424318.1, NM_001425069.1, NM_001425070.1); short protein forms P717A, P772A, P760A.
Identifiers: ClinVar variation 4740801 (VCV004740801.1).

ClinVar aggregate classification (germline): Uncertain significance (1 of 4 stars; one submission).

Conditions:
Charcot-Marie-Tooth disease type 4. Also called: Charcot-Marie-Tooth disease, type IV; Charcot-Marie-Tooth, Type 4. Identifiers: Orphanet 64749, MedGen C4082197, MONDO:0018995.

Submission:

Labcorp Genetics (formerly Invitae), Labcorp
Classification: Uncertain significance for Charcot-Marie-Tooth disease type 4. Last evaluated: 2025-02-25. Review status: criteria provided, single submitter. Criteria: Invitae Variant Classification Sherloc (09022015). Collection method: clinical testing. Allele origin: germline.
Comment: This sequence change replaces proline, which is neutral and non-polar, with alanine, which is neutral and non-polar, at codon 760 of the SBF2 protein (p.Pro760Ala). This variant is not present in population databases (gnomAD no frequency). This variant has not been reported in the literature in individuals affected with SBF2-related conditions. Invitae Evidence Modeling of protein sequence and biophysical properties (such as structural, functional, and spatial information, amino acid conservation, physicochemical variation, residue mobility, and thermodynamic stability) indicates that this missense variant is expected to disrupt SBF2 protein function with a positive predictive value of 80%. In summary, the available evidence is currently insufficient to determine the role of this variant in disease. Therefore, it has been classified as a Variant of Uncertain Significance.